The following is an entry in ClinVar:

NM_000363.5(TNNI3):c.124T>C (p.Ser42Pro)

Gene: TNNI3 (troponin I3, cardiac type; minus strand). Cytogenetic location: 19q13.42.
Variant type: single nucleotide variant.
Coding change: c.124T>C on transcript NM_000363.5 (MANE Select); coding-DNA position 124, T replaced by C.
Protein change: p.Ser42Pro; replaces serine 42 with proline.
Molecular consequence: missense variant.
Genome position (GRCh38, 1-based): chr19:55,156,629, A>G on the plus strand (T>C on the coding strand, the complement: TNNI3 is on the minus strand). VCF-style: chr19-55156629-A-G. GRCh37 (hg19) VCF-style: chr19-55667997-A-G.
Other names: short protein forms S42P.
Identifiers: ClinVar variation 2572423 (VCV002572423.2), dbSNP rs2515502440, ClinGen allele CA407442439.

ClinVar aggregate classification (germline): Uncertain significance. Review status: criteria provided, multiple submitters, no conflicts (2 of 4 stars). 2 submissions from 2 submitters: Uncertain significance (2). Last evaluated 2026-01-02.

Conditions:
Cardiovascular phenotype. Identifiers: MedGen CN230736.
Hypertrophic cardiomyopathy 7. Also called: CARDIOMYOPATHY, FAMILIAL HYPERTROPHIC, 7, MODIFIER OF; TNNI3-Related Familial Hypertrophic Cardiomyopathy; Familial hypertrophic cardiomyopathy 7. Identifiers: MedGen C1860752, MONDO:0013369, OMIM 613690.

Submissions (2):

Ambry Genetics
Classification: Uncertain significance for Cardiovascular phenotype. Last evaluated: 2026-01-02. Review status: criteria provided, single submitter. Criteria: Ambry Variant Classification Scheme 2023. Collection method: clinical testing. Allele origin: germline.
Comment: The p.S42P variant (also known as c.124T>C), located in coding exon 4 of the TNNI3 gene, results from a T to C substitution at nucleotide position 124. The serine at codon 42 is replaced by proline, an amino acid with similar properties. This amino acid position is conserved. In addition, this alteration is predicted to be deleterious by in silico analysis. Based on the available evidence, the clinical significance of this variant remains unclear.

3billion
Classification: Uncertain significance for Hypertrophic cardiomyopathy 7. Review status: criteria provided, single submitter. Criteria: ACMG Guidelines, 2015. Collection method: clinical testing. Allele origin: unknown. Affected: yes. Observed: 1 heterozygote.
Comment: The variant is not observed in the gnomAD v2.1.1 dataset. In silico tool predictions suggest damaging effect of the variant on gene or gene product (REVEL: 0.62). Therefore, this variant is classified as Uncertain significance according to the recommendation of ACMG/AMP guideline.